The following is an entry in ClinVar:

NM_001127222.2(CACNA1A):c.3989+1G>C

Genes: CACNA1A (calcium voltage-gated channel subunit alpha1 A; minus strand), LOC126862865 (CDK7 strongly-dependent group 2 enhancer GRCh37_chr19:13385818-13387017; plus strand). Cytogenetic location: 19p13.13.
Variant type: single nucleotide variant.
Coding change: c.3989+1G>C on transcript NM_001127222.2 (MANE Select); the canonical splice donor site of the intron after coding-DNA position 3989, G replaced by C.
Molecular consequence: splice donor variant.
Genome position (GRCh38, 1-based): chr19:13,275,849, C>G on the plus strand (G>C on the coding strand, the complement: CACNA1A is on the minus strand). VCF-style: chr19-13275849-C-G. GRCh37 (hg19) VCF-style: chr19-13386663-C-G.
Other names: c.3992+1G>C (NM_001127221.2, NM_001174080.2); c.4001+1G>C (NM_000068.4, NM_023035.3).
Identifiers: ClinVar variation 981518 (VCV000981518.1), dbSNP rs587776693, ClinGen allele CA404340125.

ClinVar aggregate classification (germline): Likely pathogenic (1 of 4 stars; one submission).

Conditions:
Episodic ataxia type 2 (EA2). Also called: ATAXIA, EPISODIC, WITH NYSTAGMUS; ATAXIA, FAMILIAL PAROXYSMAL; CEREBELLAR ATAXIA, PAROXYSMAL, ACETAZOLAMIDE-RESPONSIVE; CEREBELLOPATHY, HEREDITARY PAROXYSMAL; EPISODIC ATAXIA, NYSTAGMUS-ASSOCIATED; ACETAZOLAMIDE-RESPONSIVE HEREDITARY PAROXYSMAL CEREBELLAR ATAXIA. Identifiers: Orphanet 97, MedGen C1720416, MONDO:0007163, OMIM 108500.

Submission:

Johns Hopkins Genomics, Johns Hopkins University
Classification: Likely pathogenic for Episodic ataxia type 2. Last evaluated: 2020-09-24. Review status: criteria provided, single submitter. Criteria: ACMG Guidelines, 2015. Collection method: clinical testing. Allele origin: germline.
Comment: This CACNA1A variant is absent in a large population dataset and has an entry in ClinVar. This variant destroys the native donor (5') splice site for exon 24. We consider c.3989+1G>C to be likely pathogenic.

Literature cited by the submitters: PubMed 14718690; PubMed 8898206.